The following is an entry in ClinVar:

NM_001372076.1(PAX9):c.631_631+1del

Gene: PAX9 (paired box 9; plus strand). Cytogenetic location: 14q13.3.
Variant type: Deletion.
Coding change: c.631_631+1del on transcript NM_001372076.1 (MANE Select); coding-DNA position 631 through the canonical splice donor site of the intron after coding-DNA position 631, 2 bases deleted (GG; older notation c.631_631+1delGG).
Molecular consequence: splice donor variant.
Genome position (GRCh38, 1-based): chr14:36,663,523-36,663,524, GG deleted. VCF-style (leftmost placement, unchanged base first): chr14-36663522-AGG-A. GRCh37 (hg19) VCF-style: chr14-37132727-AGG-A.
Other names: c.631_631+1del (NM_006194.4).
Identifiers: ClinVar variation 4712355 (VCV004712355.1).
Genomic context (GRCh38, chr14:36,663,522, plus strand): 5'-CACCTGGCCCTCCTCGCACTCCGTCACCGACATCCTGGGCATCCGCTCCATCACCGACCA[AGG>A]TAGGGGCTCAGAGGCTGGGCGTGTGGATGTGCAGCGTCTGCCCCCGCACTCTCGCGGAGG-3'

ClinVar aggregate classification (germline): Likely pathogenic (1 of 4 stars; one submission).

Conditions:
Hypodontia. Also called: Partial congenital absence of teeth; TOOTH AGENESIS, FAMILIAL; Tooth agenesis, selective. Identifiers: Orphanet 99798, MedGen C0020608, MONDO:0005486, HP:0000668. Disease mechanism: loss of function.

Submission:

Labcorp Genetics (formerly Invitae), Labcorp
Classification: Likely pathogenic for Hypodontia. Last evaluated: 2025-02-04. Review status: criteria provided, single submitter. Criteria: Invitae Variant Classification Sherloc (09022015). Collection method: clinical testing. Allele origin: germline.
Comment: This variant results in the deletion of part of exon 3 (c.631_631+1del) of the PAX9 gene. It is expected to disrupt RNA splicing. Variants that disrupt the donor or acceptor splice site typically lead to a loss of protein function (PMID: 16199547), and loss-of-function variants in PAX9 are known to be pathogenic (PMID: 14607846, 16236760, 16479262). This variant is not present in population databases (gnomAD no frequency). This variant has not been reported in the literature in individuals affected with PAX9-related conditions. Algorithms developed to predict the effect of sequence changes on RNA splicing suggest that this variant may disrupt the consensus splice site. In summary, the currently available evidence indicates that the variant is pathogenic, but additional data are needed to prove that conclusively. Therefore, this variant has been classified as Likely Pathogenic.

Literature cited by the submitters: PubMed 16199547; PubMed 14607846; PubMed 16236760; PubMed 16479262.